The following is an entry in ClinVar:

ClinVar aggregate classification (germline): Uncertain significance (1 of 4 stars; one submission).

Conditions:
CUL4B-related disorder. Also called: CUL4B-related condition.

Submission:

PreventionGenetics, part of Exact Sciences
Classification: Uncertain significance for CUL4B-related condition. Last evaluated: 2025-03-05. Review status: criteria provided, single submitter. Criteria: ACMG Guidelines, 2015. Collection method: clinical testing. Allele origin: germline.
Comment: The CUL4B c.760G>A variant is predicted to result in the amino acid substitution p.Ala254Thr. To our knowledge, this variant has not been reported in the literature or in a large population database (gnomAD), indicating this variant is rare. At this time, the clinical significance of this variant is uncertain due to the absence of conclusive functional and genetic evidence.

NM_001079872.2(CUL4B):c.706G>A (p.Ala236Thr)

Gene: CUL4B (cullin 4B; minus strand). Cytogenetic location: Xq24.
Variant type: single nucleotide variant.
Coding change: c.706G>A on transcript NM_001079872.2 (MANE Select); coding-DNA position 706, G replaced by A.
Protein change: p.Ala236Thr; replaces alanine 236 with threonine.
Molecular consequence: missense variant.
Genome position (GRCh38, 1-based): chrX:120,547,206, C>T on the plus strand (G>A on the coding strand, the complement: CUL4B is on the minus strand). VCF-style: chrX-120547206-C-T. GRCh37 (hg19) VCF-style: chrX-119681061-C-T.
Other names: c.721G>A, p.Ala241Thr (NM_001330624.2); c.172G>A, p.Ala58Thr (NM_001369145.1); c.760G>A, p.Ala254Thr (NM_003588.4); short protein forms A254T, A58T, A236T, A241T.
Identifiers: ClinVar variation 5000058 (VCV005000058.1).